The following is an entry in ClinVar:

ClinVar aggregate classification (germline): Uncertain significance. Review status: criteria provided, multiple submitters, no conflicts (2 of 4 stars). 2 submissions from 2 submitters: Uncertain significance (2). Last evaluated 2025-12-09.

Conditions:
Hereditary cancer-predisposing syndrome. Also called: Neoplastic Syndromes, Hereditary; Tumor predisposition; Hereditary Cancer Syndrome; Hereditary neoplastic syndrome. Identifiers: Orphanet 140162, MedGen C0027672, MeSH D009386, MONDO:0015356.

Submissions (2):

Ambry Genetics
Classification: Uncertain significance for Hereditary cancer-predisposing syndrome. Last evaluated: 2025-12-09. Review status: criteria provided, single submitter. Criteria: Ambry Variant Classification Scheme 2023. Collection method: clinical testing. Allele origin: germline.
Comment: The p.S1259G variant (also known as c.3775A>G), located in coding exon 10 of the BRCA2 gene, results from an A to G substitution at nucleotide position 3775. The serine at codon 1259 is replaced by glycine, an amino acid with similar properties. This amino acid position is conserved. In addition, this alteration is predicted to be tolerated by in silico analysis. Based on the available evidence, the clinical significance of this variant remains unclear.

Color Diagnostics, LLC DBA Color Health
Classification: Uncertain significance for Hereditary cancer-predisposing syndrome. Last evaluated: 2025-07-07. Review status: criteria provided, single submitter. Criteria: ACMG Guidelines, 2015. Collection method: clinical testing. Allele origin: germline.
Comment: This missense variant replaces serine with glycine at codon 1259 of the BRCA2 protein. Computational prediction suggests that this variant may not impact protein structure and function. To our knowledge, functional studies have not been reported for this variant. This variant has not been reported in individuals affected with BRCA2-related disorders in the literature. This variant has not been identified in the general population by the Genome Aggregation Database (gnomAD). The available evidence is insufficient to determine the role of this variant in disease conclusively. Therefore, this variant is classified as a Variant of Uncertain Significance.

NM_000059.4(BRCA2):c.3775A>G (p.Ser1259Gly)

Gene: BRCA2 (BRCA2 DNA repair associated; plus strand). Cytogenetic location: 13q13.1.
Variant type: single nucleotide variant.
Coding change: c.3775A>G on transcript NM_000059.4 (MANE Select); coding-DNA position 3775, A replaced by G.
Protein change: p.Ser1259Gly; replaces serine 1259 with glycine.
Molecular consequence: missense variant. On other transcripts: non-coding transcript variant (1), intron variant (2).
Genome position (GRCh38, 1-based): chr13:32,338,130, A>G. VCF-style: chr13-32338130-A-G. GRCh37 (hg19) VCF-style: chr13-32912267-A-G.
Other names: c.3775A>G, p.Ser1259Gly (NM_001406719.1, NM_001406720.1, NM_001432077.1); c.1909+4743A>G (NM_001406721.1); c.425-6428A>G (NM_001406722.1); short protein forms S1259G.
Identifiers: ClinVar variation 4629548 (VCV004629548.2).